The following is an entry in ClinVar:

ClinVar aggregate classification (germline): Uncertain significance (1 of 4 stars; one submission).

Allele frequency attached by ClinVar (database versions not stated): gnomAD exomes below 0.00001.
gnomAD v4.1: 3 of 1,613,454 alleles (0.00019%); highest among the groups gnomAD compares: Non-Finnish European, 0.00025%; no homozygotes.

Submission:

Labcorp Genetics (formerly Invitae), Labcorp
Classification: Uncertain significance. Last evaluated: 2024-01-29. Review status: criteria provided, single submitter. Criteria: Invitae Variant Classification Sherloc (09022015). Collection method: clinical testing. Allele origin: germline.
Comment: This sequence change replaces leucine, which is neutral and non-polar, with proline, which is neutral and non-polar, at codon 645 of the RP1 protein (p.Leu645Pro). This variant is not present in population databases (gnomAD no frequency). This variant has not been reported in the literature in individuals affected with RP1-related conditions. ClinVar contains an entry for this variant (Variation ID: 2091223). An algorithm developed to predict the effect of missense changes on protein structure and function (PolyPhen-2) suggests that this variant is likely to be disruptive. In summary, the available evidence is currently insufficient to determine the role of this variant in disease. Therefore, it has been classified as a Variant of Uncertain Significance.

NM_006269.2(RP1):c.1934T>C (p.Leu645Pro)

Gene: RP1 (RP1 axonemal microtubule associated; plus strand). Cytogenetic location: 8q12.1.
Variant type: single nucleotide variant.
Coding change: c.1934T>C on transcript NM_006269.2 (MANE Select); coding-DNA position 1934, T replaced by C.
Protein change: p.Leu645Pro; replaces leucine 645 with proline.
Molecular consequence: missense variant. On other transcripts: intron variant (1).
Genome position (GRCh38, 1-based): chr8:54,625,816, T>C. VCF-style: chr8-54625816-T-C. GRCh37 (hg19) VCF-style: chr8-55538376-T-C.
Other names: c.787+3528T>C (NM_001375654.1); short protein forms L645P.
Identifiers: ClinVar variation 2091223 (VCV002091223.4), dbSNP rs1024924173, ClinGen allele CA177236919.
Genomic context (GRCh38, chr8:54,625,816, plus strand): 5'-ATATTTCTGAGGCTCCAGCTTCAGAAGCATCCTCTACTGTCACTGCAAGAATTGACAGAC[T>C]AATTAATGAATTTGCTCAGTGTGGTTTAACAAAACTTCCAAAAAATGAAAAGAAGATTTT-3'
Protein context (NP_006260.1, residues 635-655): SSTVTARIDR[Leu645Pro]INEFAQCGLT